The following is an entry in ClinVar:

NM_014009.4(FOXP3):c.*887G>A

Genes: CCDC22 (CCC complex scaffolding subunit CCDC22; plus strand), FOXP3 (forkhead box P3; minus strand). Cytogenetic location: Xp11.23.
Variant type: single nucleotide variant.
Coding change: c.*887G>A on transcript NM_014009.4 (MANE Select); 887 bases downstream of the stop codon, G replaced by A.
Molecular consequence: 3 prime UTR variant.
Genome position (GRCh38, 1-based): chrX:49,250,447, C>T on the plus strand (G>A on the coding strand, the complement: FOXP3 is on the minus strand). VCF-style: chrX-49250447-C-T. GRCh37 (hg19) VCF-style: chrX-49106908-C-T.
Other names: c.*186C>T (NM_014008.5); c.*887G>A (NM_001114377.2).
Identifiers: ClinVar variation 4990079 (VCV004990079.1).

ClinVar aggregate classification (germline): Likely benign (1 of 4 stars; one submission).

Conditions:
FOXP3-related disorder. Also called: FOXP3-related condition.

gnomAD v4.1: 23 of 504,018 alleles (0.0046%); highest among the groups gnomAD compares: Middle Eastern, 0.033%; no homozygotes.

Submission:

PreventionGenetics, part of Exact Sciences
Classification: Likely benign for FOXP3-related condition. Last evaluated: 2024-10-17. Review status: criteria provided, single submitter. Criteria: ACMG Guidelines, 2015. Collection method: clinical testing. Allele origin: germline.
Comment: This variant is classified as likely benign based on ACMG/AMP sequence variant interpretation guidelines (Richards et al. 2015 PMID: 25741868, with internal and published modifications).